The following is an entry in ClinVar:

NM_000256.3(MYBPC3):c.1122G>C (p.Gln374His)

Gene: MYBPC3 (myosin binding protein C3; minus strand). Cytogenetic location: 11p11.2.
Variant type: single nucleotide variant.
Coding change: c.1122G>C on transcript NM_000256.3 (MANE Select); coding-DNA position 1122, G replaced by C.
Protein change: p.Gln374His; replaces glutamine 374 with histidine.
Molecular consequence: missense variant.
Genome position (GRCh38, 1-based): chr11:47,343,593, C>G on the plus strand (G>C on the coding strand, the complement: MYBPC3 is on the minus strand). VCF-style: chr11-47343593-C-G. GRCh37 (hg19) VCF-style: chr11-47365144-C-G.
Other names: short protein forms Q374H.
Identifiers: ClinVar variation 2773751 (VCV002773751.2), dbSNP rs2495765741, ClinGen allele CA380329270.

ClinVar aggregate classification (germline): Uncertain significance (1 of 4 stars; one submission).

Conditions:
Cardiomyopathy (CMYO). Also called: Cardiomyopathies. Identifiers: Orphanet 167848, MedGen C0878544, MONDO:0004994, HP:0001638. Inheritance: Various modes of inheritance.

Submission:

Color Diagnostics, LLC DBA Color Health
Classification: Uncertain significance for Cardiomyopathy. Last evaluated: 2024-03-06. Review status: criteria provided, single submitter. Criteria: ACMG Guidelines, 2015. Collection method: clinical testing. Allele origin: germline.
Comment: This missense variant replaces glutamine with histidine at codon 374 of the MYBPC3 protein. Computational prediction suggests that this variant may not impact protein structure and function (internally defined REVEL score threshold <= 0.5, PMID: 27666373). To our knowledge, functional studies have not been reported for this variant. This variant has not been reported in individuals affected with cardiovascular disorders in the literature. This variant has not been identified in the general population by the Genome Aggregation Database (gnomAD). The available evidence is insufficient to determine the role of this variant in disease conclusively. Therefore, this variant is classified as a Variant of Uncertain Significance.